The following is an entry in ClinVar:

NM_016616.5(NME8):c.622_623delinsCT (p.Cys208Leu)

Gene: NME8 (NME/NM23 family member 8; plus strand). Cytogenetic location: 7p14.1.
Variant type: Indel.
Coding change: c.622_623delinsCT on transcript NM_016616.5 (MANE Select); coding-DNA positions 622 to 623, TG replaced by CT.
Protein change: p.Cys208Leu; replaces cysteine 208 with leucine.
Molecular consequence: missense variant.
Genome position (GRCh38, 1-based): chr7:37,867,702-37,867,703, TG replaced by CT. VCF-style: chr7-37867702-TG-CT. GRCh37 (hg19) VCF-style: chr7-37907304-TG-CT.
Other names: short protein forms C208L.
Identifiers: ClinVar variation 4717173 (VCV004717173.1).

ClinVar aggregate classification (germline): Uncertain significance (1 of 4 stars; one submission).

Conditions:
Primary ciliary dyskinesia 6. Also called: Primary Ciliary Dyskinesia 6: TXNDC3-Related Primary Ciliary Dyskinesia. Identifiers: Orphanet 244, MedGen C1970506, MONDO:0012571, OMIM 610852.

Submission:

Labcorp Genetics (formerly Invitae), Labcorp
Classification: Uncertain significance for Primary ciliary dyskinesia 6. Last evaluated: 2025-11-03. Review status: criteria provided, single submitter. Criteria: Invitae Variant Classification Sherloc (09022015). Collection method: clinical testing. Allele origin: germline.
Comment: This sequence change replaces cysteine, which is neutral and slightly polar, with leucine, which is neutral and non-polar, at codon 208 of the NME8 protein (p.Cys208Leu). The frequency data for this variant in the population databases is considered unreliable, as metrics indicate poor data quality at this position in the gnomAD database. This variant has not been reported in the literature in individuals affected with NME8-related conditions. An algorithm developed to predict the effect of missense changes on protein structure and function (PolyPhen-2) suggests that this variant is likely to be tolerated. In summary, the available evidence is currently insufficient to determine the role of this variant in disease. Therefore, it has been classified as a Variant of Uncertain Significance.